The following is an entry in ClinVar:

ClinVar aggregate classification (germline): Pathogenic (1 of 4 stars; one submission).

Conditions:
Hyperekplexia 2 (HKPX2). Identifiers: Orphanet 3197, MedGen C3553291, MONDO:0013828, OMIM 614619.

gnomAD v4.1: 3 of 1,524,084 alleles (0.0002%); highest among the groups gnomAD compares: Non-Finnish European, 0.00027%; no homozygotes.

Submission:

Labcorp Genetics (formerly Invitae), Labcorp
Classification: Pathogenic for Hyperekplexia 2. Last evaluated: 2022-11-08. Review status: criteria provided, single submitter. Criteria: Invitae Variant Classification Sherloc (09022015). Collection method: clinical testing. Allele origin: germline.
Comment: For these reasons, this variant has been classified as Pathogenic. This variant has not been reported in the literature in individuals affected with GLRB-related conditions. This variant is not present in population databases (gnomAD no frequency). This sequence change creates a premature translational stop signal (p.Tyr206*) in the GLRB gene. It is expected to result in an absent or disrupted protein product. Loss-of-function variants in GLRB are known to be pathogenic (PMID: 23182654, 23184146).

Literature cited by the submitters: PubMed 23182654; PubMed 23184146.

NM_000824.5(GLRB):c.618C>G (p.Tyr206Ter)

Gene: GLRB (glycine receptor beta; plus strand). Cytogenetic location: 4q32.1.
Variant type: single nucleotide variant.
Coding change: c.618C>G on transcript NM_000824.5 (MANE Select); coding-DNA position 618, C replaced by G.
Protein change: p.Tyr206Ter; replaces tyrosine 206 with a stop codon.
Molecular consequence: nonsense.
Genome position (GRCh38, 1-based): chr4:157,138,816, C>G. VCF-style: chr4-157138816-C-G. GRCh37 (hg19) VCF-style: chr4-158059968-C-G.
Other names: c.618C>G, p.Tyr206Ter (NM_001166060.2, NM_001166061.2); short protein forms Y206*.
Identifiers: ClinVar variation 2095370 (VCV002095370.4), dbSNP rs2530068462, ClinGen allele CA358643232.